The following is an entry in ClinVar:

ClinVar aggregate classification (germline): Uncertain significance. Review status: criteria provided, multiple submitters, no conflicts (2 of 4 stars). 3 submissions from 3 submitters: Uncertain significance (2). 1 of the submissions does not count toward it. Last evaluated 2025-04-14.

Conditions:
EBF3-related disorder. Identifiers: MedGen CN239924.
Inborn genetic diseases. Identifiers: MedGen C0950123, MeSH D030342.

Allele frequency attached by ClinVar (database versions not stated): gnomAD 0.00001.
gnomAD v4.1: 1 of 1,614,136 alleles (0.000062%); no homozygotes.

Submissions (3):

Ambry Genetics
Classification: Uncertain significance for Inborn genetic diseases. Last evaluated: 2025-04-14. Review status: criteria provided, single submitter. Criteria: Ambry Variant Classification Scheme 2023. Collection method: clinical testing. Allele origin: germline.

GeneDx
Classification: Uncertain significance. Last evaluated: 2024-07-02. Review status: criteria provided, single submitter. Criteria: GeneDx Variant Classification Process June 2021. Collection method: clinical testing. Allele origin: germline. Affected: yes.
Comment: Has not been previously published as pathogenic or benign to our knowledge; Not observed at significant frequency in large population cohorts (gnomAD); In silico analysis supports that this missense variant has a deleterious effect on protein structure/function; In silico analysis is inconclusive as to whether the variant alters gene splicing. In the absence of RNA/functional studies, the actual effect of this sequence change is unknown.

PreventionGenetics, part of Exact Sciences
Classification: Uncertain significance for EBF3-related condition. Last evaluated: 2024-05-06. Review status: no assertion criteria provided. Collection method: clinical testing. Allele origin: germline. Not counted in ClinVar's aggregate classification.
Comment: The EBF3 c.844G>A variant is predicted to result in the amino acid substitution p.Gly282Arg. To our knowledge, this variant has not been reported in the literature or in a large population database, indicating this variant is rare. At this time, the clinical significance of this variant is uncertain due to the absence of conclusive functional and genetic evidence.

NM_001375380.1(EBF3):c.871G>A (p.Gly291Arg)

Genes: EBF3 (EBF transcription factor 3; minus strand), EBF3-AS1 (EBF3 antisense RNA 1; plus strand). Cytogenetic location: 10q26.3.
Variant type: single nucleotide variant.
Coding change: c.871G>A on transcript NM_001375380.1 (MANE Select); coding-DNA position 871, G replaced by A.
Protein change: p.Gly291Arg; replaces glycine 291 with arginine.
Molecular consequence: missense variant.
Genome position (GRCh38, 1-based): chr10:129,867,823, C>T on the plus strand (G>A on the coding strand, the complement: EBF3 is on the minus strand). VCF-style: chr10-129867823-C-T. GRCh37 (hg19) VCF-style: chr10-131666087-C-T.
Other names: c.844G>A, p.Gly282Arg (NM_001005463.3, NM_001375390.1, NM_001375392.1); c.871G>A, p.Gly291Arg (NM_001375379.1, NM_001375389.1, NM_001375391.1); short protein forms G282R, G291R.
Identifiers: ClinVar variation 1310072 (VCV001310072.4), dbSNP rs1852132485, ClinGen allele CA378725401.